The following is an entry in ClinVar:

NM_006996.3(SLC19A2):c.1351_1360del (p.Glu451fs)

Gene: SLC19A2 (solute carrier family 19 member 2; minus strand). Cytogenetic location: 1q24.2.
Variant type: Deletion.
Coding change: c.1351_1360del on transcript NM_006996.3 (MANE Select); coding-DNA positions 1351 to 1360, 10 bases deleted (GAAATTACCA; older notation c.1351_1360delGAAATTACCA).
Protein change: p.Glu451fs; shifts the reading frame from glutamic acid 451.
Molecular consequence: frameshift variant.
Genome position (GRCh38, 1-based): chr1:169,468,116-169,468,125, TGGTAATTTC deleted on the plus strand (GAAATTACCA on the coding strand, the reverse complement: SLC19A2 is on the minus strand); deleting any 10 consecutive bases within chr1:169,468,116-169,468,126 gives the same sequence; the c. name uses the placement nearest the transcript's 3' end. VCF-style (leftmost placement, unchanged base first): chr1-169468115-GTGGTAATTTC-G. GRCh37 (hg19) VCF-style: chr1-169437353-GTGGTAATTTC-G.
Other names: c.748_757del, p.Glu250fs (NM_001319667.1); short protein forms E250fs, E451fs.
Identifiers: ClinVar variation 2114203 (VCV002114203.4), dbSNP rs2526234131, ClinGen allele CA2574084700.
Genomic context (GRCh38, chr1:169,468,115, plus strand): 5'-CTGTCACCCTGATCAAGTCACACATACTACCTTCGATGCCAAAGGAGAGATCTTACCTGA[GTGGTAATTTC>G]TAATCCAAGGCCACTGGCATCTACCACAATTAGAGTGAGCAGCGTCTGCAGTGCCAGGGC-3'

ClinVar aggregate classification (germline): Pathogenic (1 of 4 stars; one submission).

Submission:

Labcorp Genetics (formerly Invitae), Labcorp
Classification: Pathogenic. Last evaluated: 2024-10-16. Review status: criteria provided, single submitter. Criteria: Invitae Variant Classification Sherloc (09022015). Collection method: clinical testing. Allele origin: germline.
Comment: This sequence change creates a premature translational stop signal (p.Glu451Leufs*4) in the SLC19A2 gene. While this is not anticipated to result in nonsense mediated decay, it is expected to disrupt the last 47 amino acid(s) of the SLC19A2 protein. This variant is not present in population databases (gnomAD no frequency). This variant has not been reported in the literature in individuals affected with SLC19A2-related conditions. ClinVar contains an entry for this variant (Variation ID: 2114203). This variant disrupts a region of the SLC19A2 protein in which other variant(s) (p.Leu457*) have been determined to be pathogenic (PMID: 23289844). This suggests that this is a clinically significant region of the protein, and that variants that disrupt it are likely to be disease-causing. For these reasons, this variant has been classified as Pathogenic.

Literature cited by the submitters: PubMed 23289844.